The following is an entry in ClinVar:

ClinVar aggregate classification (germline): Uncertain significance. Review status: criteria provided, multiple submitters, no conflicts (2 of 4 stars). 3 submissions from 3 submitters: Uncertain significance (3). Last evaluated 2024-12-31.

Allele frequency attached by ClinVar (database versions not stated): gnomAD exomes 0.00008; ExAC 0.00012; ESP Exome Variant Server 0.00031; gnomAD 0.00032 and 0.00036; 1000 Genomes Project 0.00040; TOPMed 0.00041; 1000 Genomes Project 30x 0.00047.
gnomAD v4.1: 91 of 1,612,376 alleles (0.0056%); highest among the groups gnomAD compares: African/African-American, 0.099%; no homozygotes.

Submissions (3):

Ambry Genetics
Classification: Uncertain significance. Last evaluated: 2024-12-31. Review status: criteria provided, single submitter. Criteria: Ambry Variant Classification Scheme 2023. Collection method: clinical testing. Allele origin: germline.

Blueprint Genetics
Classification: Uncertain significance. Last evaluated: 2024-02-08. Review status: criteria provided, single submitter. Criteria: ACMG Guidelines, 2015. Collection method: clinical testing. Allele origin: germline.

Labcorp Genetics (formerly Invitae), Labcorp
Classification: Uncertain significance. Last evaluated: 2022-09-27. Review status: criteria provided, single submitter. Criteria: Invitae Variant Classification Sherloc (09022015). Collection method: clinical testing. Allele origin: germline.
Comment: This sequence change replaces aspartic acid, which is acidic and polar, with histidine, which is basic and polar, at codon 352 of the EPS8L2 protein (p.Asp352His). This variant is present in population databases (rs147750566, gnomAD 0.1%). This variant has not been reported in the literature in individuals affected with EPS8L2-related conditions. ClinVar contains an entry for this variant (Variation ID: 1467559). Algorithms developed to predict the effect of missense changes on protein structure and function are either unavailable or do not agree on the potential impact of this missense change (SIFT: "Deleterious"; PolyPhen-2: "Possibly Damaging"; Align-GVGD: "Class C0"). In summary, the available evidence is currently insufficient to determine the role of this variant in disease. Therefore, it has been classified as a Variant of Uncertain Significance.

NM_022772.4(EPS8L2):c.1054G>C (p.Asp352His)

Gene: EPS8L2 (EPS8 signaling adaptor L2; plus strand). Cytogenetic location: 11p15.5.
Variant type: single nucleotide variant.
Coding change: c.1054G>C on transcript NM_022772.4 (MANE Select); coding-DNA position 1054, G replaced by C.
Protein change: p.Asp352His; replaces aspartic acid 352 with histidine.
Molecular consequence: missense variant.
Genome position (GRCh38, 1-based): chr11:722,160, G>C. VCF-style: chr11-722160-G-C. GRCh37 (hg19) VCF-style: chr11-722160-G-C.
Other names: c.1054G>C (NM_022772.3); short protein forms D352H.
Identifiers: ClinVar variation 1467559 (VCV001467559.8), dbSNP rs147750566, ClinGen allele CA5787453.